The following is an entry in ClinVar:

ClinVar aggregate classification (germline): Likely pathogenic (1 of 4 stars; one submission).

Allele frequency attached by ClinVar (database versions not stated): gnomAD exomes below 0.00001.
gnomAD v4.1: 1 of 1,613,164 alleles (0.000062%); highest among the groups gnomAD compares: Non-Finnish European, 0.000085%; no homozygotes.

Submission:

Labcorp Genetics (formerly Invitae), Labcorp
Classification: Likely pathogenic. Last evaluated: 2023-09-30. Review status: criteria provided, single submitter. Criteria: Invitae Variant Classification Sherloc (09022015). Collection method: clinical testing. Allele origin: germline.
Comment: This sequence change affects a donor splice site in intron 10 of the EIF2B5 gene. It is expected to disrupt RNA splicing. Variants that disrupt the donor or acceptor splice site typically lead to a loss of protein function (PMID: 16199547), and loss-of-function variants in EIF2B5 are known to be pathogenic (PMID: 11704758, 15060152, 21307862). This variant is not present in population databases (gnomAD no frequency). Disruption of this splice site has been observed in individual(s) with clinical features of leukoencephalopathy with vanishing white matter (PMID: 30315562). Algorithms developed to predict the effect of sequence changes on RNA splicing suggest that this variant may disrupt the consensus splice site. In summary, the currently available evidence indicates that the variant is pathogenic, but additional data are needed to prove that conclusively. Therefore, this variant has been classified as Likely Pathogenic.

Literature cited by the submitters: PubMed 16199547; PubMed 11704758; PubMed 15060152; PubMed 21307862; PubMed 30315562.

NM_003907.3(EIF2B5):c.1546+1G>A

Gene: EIF2B5 (eukaryotic translation initiation factor 2B subunit epsilon; plus strand). Cytogenetic location: 3q27.1.
Variant type: single nucleotide variant.
Coding change: c.1546+1G>A on transcript NM_003907.3 (MANE Select); the canonical splice donor site of the intron after coding-DNA position 1546, G replaced by A.
Molecular consequence: splice donor variant.
Genome position (GRCh38, 1-based): chr3:184,142,604, G>A. VCF-style: chr3-184142604-G-A. GRCh37 (hg19) VCF-style: chr3-183860392-G-A.
Identifiers: ClinVar variation 2786663 (VCV002786663.3), dbSNP rs2473669778, ClinGen allele CA355391253.